The following is an entry in ClinVar:

NM_001018115.3(FANCD2):c.1589G>A (p.Arg530Gln)

Genes: FANCD2 (FA complementation group D2; plus strand), LOC107303338 (3p25 FANCD2 Alu-mediated recombination region; plus strand). Cytogenetic location: 3p25.3.
Variant type: single nucleotide variant.
Coding change: c.1589G>A on transcript NM_001018115.3 (MANE Select); coding-DNA position 1589, G replaced by A.
Protein change: p.Arg530Gln; replaces arginine 530 with glutamine.
Molecular consequence: missense variant. On other transcripts: intron variant (1).
Genome position (GRCh38, 1-based): chr3:10,052,430, G>A. VCF-style: chr3-10052430-G-A. GRCh37 (hg19) VCF-style: chr3-10094114-G-A.
Other names: c.1589G>A, p.Arg530Gln (NM_001319984.2, NM_001374254.1, NM_033084.6); c.1545+2925G>A (NM_001374253.1); c.1589G>A (NM_033084.4); short protein forms R530Q.
Identifiers: ClinVar variation 1025729 (VCV001025729.9), dbSNP rs1249790407, ClinGen allele CA351740081.

ClinVar aggregate classification (germline): Uncertain significance. Review status: criteria provided, multiple submitters, no conflicts (2 of 4 stars). 2 submissions from 2 submitters: Uncertain significance (2). Last evaluated 2024-11-05.

Conditions:
Fanconi anemia (FA). Also called: Fanconi's anemia. Identifiers: Orphanet 84, MedGen C0015625, MeSH D005199, MONDO:0019391.
Fanconi anemia complementation group D2. Also called: FANCD2-Related Fanconi Anemia; FANCONI PANCYTOPENIA, TYPE 4; FANCONI ANEMIA, COMPLEMENTATION GROUP D. Identifiers: Orphanet 84, MedGen C3160738, MONDO:0009214, OMIM 227646.

Allele frequency attached by ClinVar (database versions not stated): gnomAD exomes below 0.00001 and 0.00001; gnomAD 0.00001; TOPMed 0.00001.
gnomAD v4.1: 6 of 1,613,174 alleles (0.00037%); highest among the groups gnomAD compares: South Asian, 0.0011%; no homozygotes.

Submissions (2):

Labcorp Genetics (formerly Invitae), Labcorp
Classification: Uncertain significance for Fanconi anemia. Last evaluated: 2024-11-05. Review status: criteria provided, single submitter. Criteria: Invitae Variant Classification Sherloc (09022015). Collection method: clinical testing. Allele origin: germline.
Comment: This sequence change replaces arginine, which is basic and polar, with glutamine, which is neutral and polar, at codon 530 of the FANCD2 protein (p.Arg530Gln). This variant is present in population databases (no rsID available, gnomAD 0.002%). This variant has not been reported in the literature in individuals affected with FANCD2-related conditions. ClinVar contains an entry for this variant (Variation ID: 1025729). Invitae Evidence Modeling of protein sequence and biophysical properties (such as structural, functional, and spatial information, amino acid conservation, physicochemical variation, residue mobility, and thermodynamic stability) indicates that this missense variant is expected to disrupt FANCD2 protein function with a positive predictive value of 80%. In summary, the available evidence is currently insufficient to determine the role of this variant in disease. Therefore, it has been classified as a Variant of Uncertain Significance.

Fulgent Genetics
Classification: Uncertain significance for Fanconi anemia complementation group D2. Last evaluated: 2023-12-27. Review status: criteria provided, single submitter. Criteria: ACMG Guidelines, 2015. Collection method: clinical testing. Allele origin: germline.